The following is an entry in ClinVar:

NM_002941.4(ROBO1):c.2238C>T (p.Asn746=)

Gene: ROBO1 (roundabout guidance receptor 1; minus strand). Cytogenetic location: 3p12.3.
Variant type: single nucleotide variant.
Coding change: c.2238C>T on transcript NM_002941.4 (MANE Select); coding-DNA position 2238, C replaced by T.
Protein change: p.Asn746=; no amino-acid change (asparagine 746 retained).
Molecular consequence: synonymous variant.
Genome position (GRCh38, 1-based): chr3:78,661,112, G>A on the plus strand (C>T on the coding strand, the complement: ROBO1 is on the minus strand). VCF-style: chr3-78661112-G-A. GRCh37 (hg19) VCF-style: chr3-78710262-G-A.
Other names: c.2130C>T, p.Asn710= (NM_001145845.2, NM_133631.4).
Identifiers: ClinVar variation 737214 (VCV000737214.12), dbSNP rs35607315, ClinGen allele CA2498728.
Genomic context (GRCh38, chr3:78,661,112, plus strand): 5'-CTTGATTTCACTATCTGCTCCTTGAAATTCATTAAAAAAAGGGCGAGCCTTAATTTCATA[G>A]TTGACTCCCTTTCTGAGATCAGGGATTACCACACTGTTTTTGGCTGGCGTCCTCACTTCA-3'
Protein context (NP_002932.1, residues 736-756): VVIPDLRKGV[Asn746=]YEIKARPFFN

ClinVar aggregate classification (germline): Likely benign. Review status: criteria provided, multiple submitters, no conflicts (2 of 4 stars). 3 submissions from 3 submitters: Likely benign (2). 1 of the submissions does not count toward it. Last evaluated 2026-04-01.

Conditions:
ROBO1-related disorder. Also called: ROBO1-related condition.

Allele frequency attached by ClinVar (database versions not stated): gnomAD exomes 0.00004 and 0.00009; ExAC 0.00012; ESP Exome Variant Server 0.00017; 1000 Genomes Project 30x 0.00031; 1000 Genomes Project 0.00040; gnomAD 0.00046 and 0.00050; TOPMed 0.00061.
gnomAD v4.1: 143 of 1,613,524 alleles (0.0089%); highest among the groups gnomAD compares: African/African-American, 0.15%; 1 homozygote.

Submissions (3):

CeGaT Center for Human Genetics Tuebingen
Classification: Likely benign. Last evaluated: 2026-04-01. Review status: criteria provided, single submitter. Criteria: CeGaT Center For Human Genetics Tuebingen Variant Classification Criteria Version 2. Collection method: clinical testing. Allele origin: germline. Affected: yes. Observed: 1 variant allele.
Comment: ROBO1: BP4

Labcorp Genetics (formerly Invitae), Labcorp
Classification: Likely benign. Last evaluated: 2026-02-01. Review status: criteria provided, single submitter. Criteria: Invitae Variant Classification Sherloc (09022015). Collection method: clinical testing. Allele origin: germline.

PreventionGenetics, part of Exact Sciences
Classification: Likely benign for ROBO1-related condition. Last evaluated: 2019-02-22. Review status: no assertion criteria provided. Collection method: clinical testing. Allele origin: germline. Not counted in ClinVar's aggregate classification.
Comment: This variant is classified as likely benign based on ACMG/AMP sequence variant interpretation guidelines (Richards et al. 2015 PMID: 25741868, with internal and published modifications).